The following is an entry in ClinVar:

ClinVar aggregate classification (germline): Uncertain significance (1 of 4 stars; one submission).

Conditions:
Peroxisome biogenesis disorder. Identifiers: Orphanet 79189, MedGen C1832200, MONDO:0019234. Disease mechanism: loss of function.

Allele frequency attached by ClinVar (database versions not stated): gnomAD 0.00001; gnomAD exomes 0.00001.
gnomAD v4.1: 15 of 1,535,880 alleles (0.00098%); highest among the groups gnomAD compares: Non-Finnish European, 0.0012%; no homozygotes.

Submission:

Labcorp Genetics (formerly Invitae), Labcorp
Classification: Uncertain significance for Peroxisome biogenesis disorder. Last evaluated: 2021-08-30. Review status: criteria provided, single submitter. Criteria: Invitae Variant Classification Sherloc (09022015). Collection method: clinical testing. Allele origin: germline.
Comment: This sequence change replaces proline with alanine at codon 134 of the PEX6 protein (p.Pro134Ala). The proline residue is weakly conserved and there is a small physicochemical difference between proline and alanine. The frequency data for this variant in the population databases is considered unreliable, as metrics indicate insufficient coverage at this position in the ExAC database. This variant has not been reported in the literature in individuals affected with PEX6-related conditions. Algorithms developed to predict the effect of missense changes on protein structure and function (SIFT, PolyPhen-2, Align-GVGD) all suggest that this variant is likely to be tolerated. In summary, the available evidence is currently insufficient to determine the role of this variant in disease. Therefore, it has been classified as a Variant of Uncertain Significance.

NM_000287.4(PEX6):c.400C>G (p.Pro134Ala)

Gene: PEX6 (peroxisomal biogenesis factor 6; minus strand). Cytogenetic location: 6p21.1.
Variant type: single nucleotide variant.
Coding change: c.400C>G on transcript NM_000287.4 (MANE Select); coding-DNA position 400, C replaced by G.
Protein change: p.Pro134Ala; replaces proline 134 with alanine.
Molecular consequence: missense variant. On other transcripts: non-coding transcript variant (1).
Genome position (GRCh38, 1-based): chr6:42,978,751, G>C on the plus strand (C>G on the coding strand, the complement: PEX6 is on the minus strand). VCF-style: chr6-42978751-G-C. GRCh37 (hg19) VCF-style: chr6-42946489-G-C.
Other names: c.400C>G, p.Pro134Ala (NM_001316313.2); short protein forms P134A.
Identifiers: ClinVar variation 1402328 (VCV001402328.7), dbSNP rs760985292, ClinGen allele CA364165869.